The following is an entry in ClinVar:

ClinVar aggregate classification (germline): Benign. Review status: criteria provided, multiple submitters, no conflicts (2 of 4 stars). 4 submissions from 4 submitters: Benign (4). Last evaluated 2024-01-24.

Conditions:
Granulomatous disease, chronic, autosomal recessive, cytochrome b-positive, type 3. Also called: Granulomatous disease, chronic, autosomal recessive, cytochrome b-positive, type III; GRANULOMATOUS DISEASE, CHRONIC, DUE TO NCF4 DEFICIENCY; CGD, AUTOSOMAL RECESSIVE CYTOCHROME b-POSITIVE, TYPE III; GRANULOMATOUS DISEASE, CHRONIC, AUTOSOMAL RECESSIVE, 3. Identifiers: Orphanet 379, MedGen C3151409, MONDO:0013507, OMIM 613960.

Allele frequency attached by ClinVar (database versions not stated): 1000 Genomes Project 30x 0.62242; 1000 Genomes Project 0.62959; ESP Exome Variant Server 0.63255; TOPMed 0.64109; gnomAD 0.65446 and 0.66004; ExAC 0.71923; gnomAD exomes 0.72436 and 0.72882.

Submissions (4):

Unidad de Genómica Garrahan, Hospital de Pediatría Garrahan
Classification: Benign. Last evaluated: 2024-01-24. Review status: criteria provided, single submitter. Criteria: ACMG Guidelines, 2015. Collection method: clinical testing. Allele origin: germline. Affected: no. Observed: 91 variant alleles.
Comment: This variant is classified as Benign based on local population frequency. This variant was detected in 96% of patients studied by a panel of primary immunodeficiencies. Number of patients: 91. Only high quality variants are reported.

Genome-Nilou Lab
Classification: Benign for Granulomatous disease, chronic, autosomal recessive, cytochrome b-positive, type 3. Last evaluated: 2021-09-05. Review status: criteria provided, single submitter. Criteria: ACMG Guidelines, 2015. Collection method: clinical testing. Allele origin: germline. Affected: no.

GeneDx
Classification: Benign. Last evaluated: 2019-08-10. Review status: criteria provided, single submitter. Criteria: GeneDx Variant Classification Process June 2021. Collection method: clinical testing. Allele origin: germline. Affected: yes.

Breakthrough Genomics
Classification: Benign. Review status: criteria provided, single submitter. Criteria: ACMG Guidelines, 2015. Collection method: not provided. Allele origin: germline. Inheritance: Autosomal recessive inheritance. Affected: yes.

NM_000631.5(NCF4):c.627+34A>G

Gene: NCF4 (neutrophil cytosolic factor 4; plus strand). Cytogenetic location: 22q12.3.
Variant type: single nucleotide variant.
Coding change: c.627+34A>G on transcript NM_000631.5 (MANE Select); 34 bases into the intron after coding-DNA position 627, A replaced by G.
Molecular consequence: intron variant.
Genome position (GRCh38, 1-based): chr22:36,872,459, A>G. VCF-style: chr22-36872459-A-G. GRCh37 (hg19) VCF-style: chr22-37268501-A-G.
Other names: c.627+34A>G (NM_013416.4).
Identifiers: ClinVar variation 1289221 (VCV001289221.7), dbSNP rs2072710, ClinGen allele CA10213108.